The following is an entry in ClinVar:

NM_001401501.2(MUC16):c.37517C>A (p.Ser12506Tyr)

Gene: MUC16 (mucin 16, cell surface associated; minus strand). Cytogenetic location: 19p13.2.
Variant type: single nucleotide variant.
Coding change: c.37517C>A on transcript NM_001401501.2 (MANE Select); coding-DNA position 37517, C replaced by A.
Protein change: p.Ser12506Tyr; replaces serine 12506 with tyrosine.
Molecular consequence: missense variant.
Genome position (GRCh38, 1-based): chr19:8,910,095, G>T on the plus strand (C>A on the coding strand, the complement: MUC16 is on the minus strand). VCF-style: chr19-8910095-G-T. GRCh37 (hg19) VCF-style: chr19-9020771-G-T.
Other names: c.37943C>A, p.Ser12648Tyr (NM_001414686.1); c.37397C>A, p.Ser12466Tyr (NM_001414687.1); c.37331C>A, p.Ser12444Tyr (NM_024690.2); short protein forms S12444Y, S12466Y, S12506Y, S12648Y.
Identifiers: ClinVar variation 3039210 (VCV003039210.2), dbSNP rs114075399, ClinGen allele CA9165253.

ClinVar aggregate classification (germline): Benign (0 of 4 stars; one submission).

Conditions:
MUC16-related disorder. Also called: MUC16-related condition.

Allele frequency attached by ClinVar (database versions not stated): 1000 Genomes Project 0.00579; 1000 Genomes Project 30x 0.00593; ESP Exome Variant Server 0.00689; gnomAD 0.00710.

Submission:

PreventionGenetics, part of Exact Sciences
Classification: Benign for MUC16-related condition. Last evaluated: 2019-07-12. Review status: no assertion criteria provided. Collection method: clinical testing. Allele origin: germline.
Comment: This variant is classified as benign based on ACMG/AMP sequence variant interpretation guidelines (Richards et al. 2015 PMID: 25741868, with internal and published modifications).